The following is an entry in ClinVar:

ClinVar aggregate classification (germline): Pathogenic (1 of 4 stars; one submission).

Conditions:
Glycine encephalopathy. Also called: Nonketotic hyperglycinemia; Non-ketotic hyperglycinemia. Identifiers: Orphanet 407, MedGen C0751748, MONDO:0011612, HP:0008288.

Submission:

Labcorp Genetics (formerly Invitae), Labcorp
Classification: Pathogenic for Glycine encephalopathy. Last evaluated: 2023-09-08. Review status: criteria provided, single submitter. Criteria: Invitae Variant Classification Sherloc (09022015). Collection method: clinical testing. Allele origin: unknown.
Comment: This variant has not been reported in the literature in individuals affected with GLDC-related conditions. For these reasons, this variant has been classified as Pathogenic. This variant is a gross deletion of the genomic region encompassing exon(s) 18-21 of the GLDC gene. This deletion is out-of-frame, and is expected to create a premature termination codon and result in an absent or disrupted protein product. Loss-of-function variants in GLDC are known to be pathogenic (PMID: 16601880).

Literature cited by the submitters: PubMed 16601880.

NC_000009.11:g.(?_6550783)_(6556322_?)del

Gene: GLDC (glycine decarboxylase; minus strand). Cytogenetic location: 9p24.1.
Variant type: Deletion.
Identifiers: ClinVar variation 3245151 (VCV003245151.1).